The following is an entry in ClinVar:

ClinVar aggregate classification (germline): Uncertain significance (1 of 4 stars; one submission).

Conditions:
Breast-ovarian cancer, familial, susceptibility to, 1 (BROVCA1). Also called: BRCA1 Hereditary Breast and Ovarian Cancer; OVARIAN CANCER, SUSCEPTIBILITY TO. Identifiers: Orphanet 145, MedGen C2676676, MONDO:0011450, OMIM 604370. Disease mechanism: loss of function.

Submissions (2):

All of Us Research Program, National Institutes of Health
Classification: Uncertain significance for Breast-ovarian cancer, familial, susceptibility to, 1. Last evaluated: 2023-08-15. Review status: criteria provided, single submitter. Criteria: ACMG Guidelines, 2015. Collection method: clinical testing. Allele origin: germline. Inheritance: Autosomal dominant inheritance. Observed: 1 variant allele, 1 heterozygote.
Comment: This missense variant replaces glutamine with lysine at codon 1779 of the BRCA1 protein. Computational prediction is inconclusive regarding the impact of this variant on protein structure and function (internally defined REVEL score threshold 0.5 < inconclusive < 0.7, PMID: 27666373). This variant has been reported to be functional in a haploid cell proliferation assay (PMID: 30209399). To our knowledge, this variant has not been reported in individuals affected with BRCA1-related disorders in the literature. This variant has not been identified in the general population by the Genome Aggregation Database (gnomAD). The available evidence is insufficient to determine the role of this variant in disease conclusively. Therefore, this variant is classified as a Variant of Uncertain Significance.

This study involves interpretation of variants in research participants for the purpose of population health screening. Participant phenotype was not available at the time of variant classification. Additional details can be found in publication PMID: 35346344, PMCID: PMC8962531

Brotman Baty Institute, University of Washington
No classification provided (evidence only). Condition: Breast-ovarian cancer, familial 1. Review status: no classification provided. Collection method: in vitro. Allele origin: not applicable. Functional consequence: functionally_normal. Not counted in ClinVar's aggregate classification.
ClinVar note: "not provided" was previously submitted as the classification for the variant. However, the classification appeared to be based only on an observation of functional data so it was converted to no classification on 2025-07-30.

Literature cited by the submitters: PubMed 30209399 (cited by All of Us Research Program, National Institutes of Health).

NM_007294.4(BRCA1):c.5335C>A (p.Gln1779Lys)

Gene: BRCA1 (BRCA1 DNA repair associated; minus strand). Cytogenetic location: 17q21.31.
Variant type: single nucleotide variant.
Coding change: c.5335C>A on transcript NM_007294.4 (MANE Select); coding-DNA position 5335, C replaced by A.
Protein change: p.Gln1779Lys; replaces glutamine 1779 with lysine.
Molecular consequence: missense variant. On other transcripts: non-coding transcript variant (1), intron variant (1).
Genome position (GRCh38, 1-based): chr17:43,049,192, G>T on the plus strand (C>A on the coding strand, the complement: BRCA1 is on the minus strand). VCF-style: chr17-43049192-G-T. GRCh37 (hg19) VCF-style: chr17-41201209-G-T.
Other names: c.5122C>A, p.Gln1708Lys (NM_001407571.1, NM_001407907.1, NM_001407908.1 and 12 more transcripts); c.5401C>A, p.Gln1801Lys (NM_001407581.1, NM_001407582.1); c.5398C>A, p.Gln1800Lys (NM_001407583.1, NM_001407585.1, NM_001407587.1 and 1 more transcripts); c.5395C>A, p.Gln1799Lys (NM_001407590.1, NM_001407591.1); c.5335C>A, p.Gln1779Lys (NM_001407593.1, NM_001407594.1, NM_001407596.1 and 5 more transcripts); c.5332C>A, p.Gln1778Lys (NM_001407610.1, NM_001407611.1, NM_001407612.1 and 14 more transcripts); c.5329C>A, p.Gln1777Lys (NM_001407627.1, NM_001407628.1, NM_001407629.1 and 13 more transcripts); c.5320C>A, p.Gln1774Lys (NM_001407647.1); and 73 more; short protein forms Q1732K, Q1779K, Q675K, Q1800K, Q1482K, Q1610K, Q1709K, Q1738K.
Identifiers: ClinVar variation 865633 (VCV000865633.4), dbSNP rs397509267, ClinGen allele CA10590793.
Genomic context (GRCh38, chr17:43,049,192, plus strand): 5'-TGAATGATGAAAGCTCCTTCACCACAGAAGCACCACACAGCTGTACCATCCATTCCAGTT[G>T]ATCTAAAATGGACATTTAGATGTAAAATCACTGCAGTAATCTGCATACTTAACCCAGGCC-3'
Protein context (NP_009225.1, residues 1769-1789): YGPFTNMPTD[Gln1779Lys]LEWMVQLCGA